The following is an entry in ClinVar:

NM_006182.4(DDR2):c.470C>T (p.Pro157Leu)

Gene: DDR2 (discoidin domain receptor tyrosine kinase 2; plus strand). Cytogenetic location: 1q23.3.
Variant type: single nucleotide variant.
Coding change: c.470C>T on transcript NM_006182.4 (MANE Select); coding-DNA position 470, C replaced by T.
Protein change: p.Pro157Leu; replaces proline 157 with leucine.
Molecular consequence: missense variant.
Genome position (GRCh38, 1-based): chr1:162,755,208, C>T. VCF-style: chr1-162755208-C-T. GRCh37 (hg19) VCF-style: chr1-162724998-C-T.
Other names: c.470C>T, p.Pro157Leu (NM_001014796.3, NM_001354982.2, NM_001354983.2); c.470C>T (NM_006182.2); short protein forms P157L.
Identifiers: ClinVar variation 2419271 (VCV002419271.4), dbSNP rs760839128, ClinGen allele CA1217253.

ClinVar aggregate classification (germline): Uncertain significance. Review status: criteria provided, multiple submitters, no conflicts (2 of 4 stars). 2 submissions from 2 submitters: Uncertain significance (2). Last evaluated 2025-10-18.

Conditions:
Inborn genetic diseases. Identifiers: MedGen C0950123, MeSH D030342.

Allele frequency attached by ClinVar (database versions not stated): ExAC 0.00003; gnomAD exomes 0.00003.
gnomAD v4.1: 44 of 1,614,052 alleles (0.0027%); highest among the groups gnomAD compares: South Asian, 0.0088%; no homozygotes.

Submissions (2):

Ambry Genetics
Classification: Uncertain significance for Inborn genetic diseases. Last evaluated: 2025-10-18. Review status: criteria provided, single submitter. Criteria: Ambry Variant Classification Scheme 2023. Collection method: clinical testing. Allele origin: germline.

Labcorp Genetics (formerly Invitae), Labcorp
Classification: Uncertain significance. Last evaluated: 2022-08-02. Review status: criteria provided, single submitter. Criteria: Invitae Variant Classification Sherloc (09022015). Collection method: clinical testing. Allele origin: germline.
Comment: This sequence change replaces proline, which is neutral and non-polar, with leucine, which is neutral and non-polar, at codon 157 of the DDR2 protein (p.Pro157Leu). This variant is present in population databases (rs760839128, gnomAD 0.01%). This variant has not been reported in the literature in individuals affected with DDR2-related conditions. Algorithms developed to predict the effect of missense changes on protein structure and function are either unavailable or do not agree on the potential impact of this missense change (SIFT: "Deleterious"; PolyPhen-2: "Probably Damaging"; Align-GVGD: "Class C0"). In summary, the available evidence is currently insufficient to determine the role of this variant in disease. Therefore, it has been classified as a Variant of Uncertain Significance.